The following is an entry in ClinVar:

ClinVar aggregate classification (germline): Uncertain significance (1 of 4 stars; one submission).

Submission:

Ambry Genetics
Classification: Uncertain significance. Last evaluated: 2021-06-30. Review status: criteria provided, single submitter. Criteria: Ambry Variant Classification Scheme 2023. Collection method: clinical testing. Allele origin: germline.
Comment: The p.V167L variant (also known as c.499G>C), located in coding exon 6 of the FAM175A gene, results from a G to C substitution at nucleotide position 499. The valine at codon 167 is replaced by leucine, an amino acid with highly similar properties. This amino acid position is conserved. In addition, this alteration is predicted to be tolerated by in silico analysis. Since supporting evidence is limited at this time, the clinical significance of this alteration remains unclear.

NM_139076.3(ABRAXAS1):c.499G>C (p.Val167Leu)

Gene: ABRAXAS1 (abraxas 1, BRCA1 A complex subunit; minus strand). Cytogenetic location: 4q21.23.
Variant type: single nucleotide variant.
Coding change: c.499G>C on transcript NM_139076.3 (MANE Select); coding-DNA position 499, G replaced by C.
Protein change: p.Val167Leu; replaces valine 167 with leucine.
Molecular consequence: missense variant.
Genome position (GRCh38, 1-based): chr4:83,469,129, C>G on the plus strand (G>C on the coding strand, the complement: ABRAXAS1 is on the minus strand). VCF-style: chr4-83469129-C-G. GRCh37 (hg19) VCF-style: chr4-84390282-C-G.
Other names: c.172G>C, p.Val58Leu (NM_001345962.2); short protein forms V167L, V58L.
Identifiers: ClinVar variation 1799903 (VCV001799903.2), dbSNP rs2529435478, ClinGen allele CA357259602.